The following is an entry in ClinVar:

ClinVar aggregate classification (germline): Uncertain significance (1 of 4 stars; one submission).

Submission:

Ambry Genetics
Classification: Uncertain significance. Last evaluated: 2025-05-08. Review status: criteria provided, single submitter. Criteria: Ambry Variant Classification Scheme 2023. Collection method: clinical testing. Allele origin: germline.
Comment: The p.A530T variant (also known as c.1588G>A), located in coding exon 8 of the ATRIP gene, results from a G to A substitution at nucleotide position 1588. The alanine at codon 530 is replaced by threonine, an amino acid with similar properties. This amino acid position is conserved. In addition, this alteration is predicted to be tolerated by in silico analysis. Based on the available evidence, the clinical significance of this variant remains unclear.

NM_130384.3(ATRIP):c.1588G>A (p.Ala530Thr)

Genes: ATRIP (ATR interacting protein; plus strand), ATRIP-TREX1 (ATRIP-TREX1 readthrough; plus strand). Cytogenetic location: 3p21.31.
Variant type: single nucleotide variant.
Coding change: c.1588G>A on transcript NM_130384.3 (MANE Select); coding-DNA position 1588, G replaced by A.
Protein change: p.Ala530Thr; replaces alanine 530 with threonine.
Molecular consequence: missense variant. On other transcripts: non-coding transcript variant (1).
Genome position (GRCh38, 1-based): chr3:48,460,642, G>A. VCF-style: chr3-48460642-G-A. GRCh37 (hg19) VCF-style: chr3-48502041-G-A.
Other names: c.1207G>A, p.Ala403Thr (NM_001271022.2); c.1309G>A, p.Ala437Thr (NM_001271023.2); c.1588G>A, p.Ala530Thr (NM_032166.4); short protein forms A403T, A437T, A530T.
Identifiers: ClinVar variation 3976503 (VCV003976503.1).